The following is an entry in ClinVar:

NM_000540.3(RYR1):c.5097C>T (p.Asp1699=)

Gene: RYR1 (ryanodine receptor 1; plus strand). Cytogenetic location: 19q13.2.
Variant type: single nucleotide variant.
Coding change: c.5097C>T on transcript NM_000540.3 (MANE Select); coding-DNA position 5097, C replaced by T.
Protein change: p.Asp1699=; no amino-acid change (aspartic acid 1699 retained).
Molecular consequence: synonymous variant.
Genome position (GRCh38, 1-based): chr19:38,485,752, C>T. VCF-style: chr19-38485752-C-T. GRCh37 (hg19) VCF-style: chr19-38976392-C-T.
Other names: c.5097C>T, p.Asp1699= (NM_001042723.2).
Identifiers: ClinVar variation 2161099 (VCV002161099.6), dbSNP rs764290303, ClinGen allele CA066668.

ClinVar aggregate classification (germline): Likely benign. Review status: criteria provided, multiple submitters, no conflicts (2 of 4 stars). 3 submissions from 3 submitters: Likely benign (3). Last evaluated 2024-07-22.

Conditions:
Malignant hyperthermia, susceptibility to, 1 (MHS1). Also called: Anesthesia related hyperthermia; Malignant hyperpyrexia; Fulminating hyperpyrexia; Pharmacogenic myopathy; Malignant hyperthermia suceptibility 1; RYR1-Related Malignant Hyperthermia Susceptibility. Identifiers: Orphanet 423, MedGen C2930980, MONDO:0007783, OMIM 145600.
RYR1-related disorder. Also called: RYR1-related disorders; RYR1-related condition. Identifiers: MedGen CN239331.

Allele frequency attached by ClinVar (database versions not stated): TOPMed 0.00001; ExAC 0.00002.
gnomAD v4.1: 11 of 1,612,940 alleles (0.00068%); highest among the groups gnomAD compares: South Asian, 0.0066%; no homozygotes.

Submissions (3):

Labcorp Genetics (formerly Invitae), Labcorp
Classification: Likely benign for RYR1-related disorder. Last evaluated: 2024-07-22. Review status: criteria provided, single submitter. Criteria: Invitae Variant Classification Sherloc (09022015). Collection method: clinical testing. Allele origin: germline.

All of Us Research Program, National Institutes of Health
Classification: Likely benign for Malignant hyperthermia, susceptibility to, 1. Last evaluated: 2023-10-06. Review status: criteria provided, single submitter. Criteria: ACMG Guidelines, 2015. Collection method: clinical testing. Allele origin: germline. Inheritance: Autosomal dominant inheritance. Observed: 1 variant allele, 1 heterozygote.
Comment: This study involves interpretation of variants in research participants for the purpose of population health screening. Participant phenotype was not available at the time of variant classification. Additional details can be found in publication PMID: 35346344, PMCID: PMC8962531

Blueprint Genetics
Classification: Likely benign. Last evaluated: 2023-06-29. Review status: criteria provided, single submitter. Criteria: ACMG Guidelines, 2015. Collection method: clinical testing. Allele origin: germline.